The following is an entry in ClinVar:

ClinVar aggregate classification (germline): Uncertain significance (1 of 4 stars; one submission).

Conditions:
Juvenile polyposis syndrome (JPS). Identifiers: Orphanet 2929, MedGen C0345893, MONDO:0017380, OMIM 174900.

Submission:

Labcorp Genetics (formerly Invitae), Labcorp
Classification: Uncertain significance for Juvenile polyposis syndrome. Last evaluated: 2018-05-09. Review status: criteria provided, single submitter. Criteria: Invitae Variant Classification Sherloc (09022015). Collection method: clinical testing. Allele origin: germline.
Comment: In summary, the available evidence is currently insufficient to determine the role of this variant in disease. Therefore, it has been classified as a Variant of Uncertain Significance. Algorithms developed to predict the effect of missense changes on protein structure and function do not agree on the potential impact of this missense change (SIFT: "Deleterious"; PolyPhen-2: "Benign"; Align-GVGD: "Class C0"). This variant has not been reported in the literature in individuals with BMPR1A-related disease. This variant is not present in population databases (ExAC no frequency). This sequence change replaces leucine with valine at codon 417 of the BMPR1A protein (p.Leu417Val). The leucine residue is highly conserved and there is a small physicochemical difference between leucine and valine.

NM_004329.3(BMPR1A):c.1249C>G (p.Leu417Val)

Gene: BMPR1A (bone morphogenetic protein receptor type 1A; plus strand). Cytogenetic location: 10q23.2.
Variant type: single nucleotide variant.
Coding change: c.1249C>G on transcript NM_004329.3 (MANE Select); coding-DNA position 1249, C replaced by G.
Protein change: p.Leu417Val; replaces leucine 417 with valine.
Molecular consequence: missense variant.
Genome position (GRCh38, 1-based): chr10:86,921,602, C>G. VCF-style: chr10-86921602-C-G. GRCh37 (hg19) VCF-style: chr10-88681359-C-G.
Other names: short protein forms L417V.
Identifiers: ClinVar variation 566010 (VCV000566010.10), dbSNP rs1554891334, ClinGen allele CA377462101.